The following is an entry in ClinVar:

NM_006306.4(SMC1A):c.3249dup (p.Ile1084fs)

Gene: SMC1A (structural maintenance of chromosomes 1A; minus strand). Cytogenetic location: Xp11.22.
Variant type: Duplication.
Coding change: c.3249dup on transcript NM_006306.4 (MANE Select); coding-DNA position 3249, one base duplicated (G; older notation c.3249dupG).
Protein change: p.Ile1084fs; shifts the reading frame from isoleucine 1084.
Molecular consequence: frameshift variant.
Genome position (GRCh38, 1-based): chrX:53,382,542, C duplicated on the plus strand (G on the coding strand, the reverse complement: SMC1A is on the minus strand). VCF-style (leftmost placement, unchanged base first): chrX-53382541-T-TC. GRCh37 (hg19) VCF-style: chrX-53409462-T-TC.
Other names: c.3183dup, p.Ile1062fs (NM_001281463.1); short protein forms I1084fs, I1062fs.
Identifiers: ClinVar variation 855426 (VCV000855426.7), dbSNP rs2075587887, ClinGen allele CA916082488.

ClinVar aggregate classification (germline): Pathogenic (1 of 4 stars; one submission).

Conditions:
Congenital muscular hypertrophy-cerebral syndrome (CDLS2). Also called: Cornelia de Lange syndrome 2; SMC1A-Related Cornelia de Lange Syndrome. Identifiers: Orphanet 199, MedGen C1802395, MONDO:0010370, OMIM 300590.

Submission:

Labcorp Genetics (formerly Invitae), Labcorp
Classification: Pathogenic for Congenital muscular hypertrophy-cerebral syndrome. Last evaluated: 2019-02-24. Review status: criteria provided, single submitter. Criteria: Invitae Variant Classification Sherloc (09022015). Collection method: clinical testing. Allele origin: germline.
Comment: For these reasons, this variant has been classified as Pathogenic. Loss-of-function variants in SMC1A are known to be pathogenic (PMID: 26386245, 27334371, 28166369, 28548707). This variant has not been reported in the literature in individuals with SMC1A-related conditions. This variant is not present in population databases (ExAC no frequency). This sequence change creates a premature translational stop signal (p.Ile1084Aspfs*3) in the SMC1A gene. It is expected to result in an absent or disrupted protein product.

Literature cited by the submitters: PubMed 26386245; PubMed 27334371; PubMed 28166369; PubMed 28548707.